The following is an entry in ClinVar:

NM_003070.5(SMARCA2):c.2639C>A (p.Thr880Asn)

Gene: SMARCA2 (SWI/SNF related BAF chromatin remodeling complex subunit ATPase 2; plus strand). Cytogenetic location: 9p24.3.
Variant type: single nucleotide variant.
Coding change: c.2639C>A on transcript NM_003070.5 (MANE Select); coding-DNA position 2639, C replaced by A.
Protein change: p.Thr880Asn; replaces threonine 880 with asparagine.
Molecular consequence: missense variant. On other transcripts: intron variant (1).
Genome position (GRCh38, 1-based): chr9:2,086,941, C>A. VCF-style: chr9-2086941-C-A. GRCh37 (hg19) VCF-style: chr9-2086941-C-A.
Other names: c.2639C>A, p.Thr880Asn (NM_001289396.2, NM_139045.4); c.2595+44C>A (NM_001289397.2); short protein forms T880N.
Identifiers: ClinVar variation 1176897 (VCV001176897.37), dbSNP rs2130486498, ClinGen allele CA372785044.
Genomic context (GRCh38, chr9:2,086,941, plus strand): 5'-ACTGCAAGCTGACTCAGGTCTTGAACACTCACTATGTGGCCCCCAGAAGGATCCTCTTGA[C>A]TGGGACCCCGCTGCAGAATAAGCTCCCTGAACTCTGGGCCCTCCTCAACTTCCTCCTCCC-3'
Protein context (NP_003061.3, residues 870-890): HYVAPRRILL[Thr880Asn]GTPLQNKLPE

ClinVar aggregate classification (germline): Conflicting classifications of pathogenicity. Review status: criteria provided, conflicting classifications (1 of 4 stars). 2 submissions from 2 submitters: Likely pathogenic (1); Uncertain significance (1). Last evaluated 2021-06-01.

Conditions:
Inborn genetic diseases. Identifiers: MedGen C0950123, MeSH D030342.

Submissions (2):

CeGaT Center for Human Genetics Tuebingen
Classification: Likely pathogenic. Last evaluated: 2021-06-01. Review status: criteria provided, single submitter. Criteria: CeGaT Center For Human Genetics Tuebingen Variant Classification Criteria Version 2. Collection method: clinical testing. Allele origin: germline. Affected: yes. Observed: 1 variant allele.

Ambry Genetics
Classification: Uncertain significance for Inborn genetic diseases. Last evaluated: 2020-10-01. Review status: criteria provided, single submitter. Criteria: Ambry Variant Classification Scheme 2023. Collection method: clinical testing. Allele origin: germline.
Comment: The c.2639C>A (p.T880N) alteration is located in exon 18 (coding exon 17) of the SMARCA2 gene. This alteration results from a C to A substitution at nucleotide position 2639, causing the threonine (T) at amino acid position 880 to be replaced by an asparagine (N). Based on data from the Genome Aggregation Database (gnomAD), the SMARCA2 c.2639C>A alteration was not observed, with coverage at this position. The p.T880 amino acid is conserved in available vertebrate species. This missense alteration is located in a region that has a low rate of benign missense variation (Lek, 2016; Firth, 2009). The in silico prediction for the p.T880N alteration is inconclusive. Based on insufficient or conflicting evidence, the clinical significance of this alteration remains unclear.